The following is an entry in ClinVar:

ClinVar aggregate classification (germline): Uncertain significance. Review status: criteria provided, multiple submitters, no conflicts (2 of 4 stars). 2 submissions from 2 submitters: Uncertain significance (2). Last evaluated 2025-07-31.

Conditions:
Inborn genetic diseases. Identifiers: MedGen C0950123, MeSH D030342.
Kleefstra syndrome 1 (KLEFS1). Identifiers: Orphanet 261494, MedGen C0795833, MONDO:0027407, OMIM 610253.

gnomAD v4.1: 30 of 1,612,604 alleles (0.0019%); highest among the groups gnomAD compares: Non-Finnish European, 0.0025%; no homozygotes.

Submissions (2):

Ambry Genetics
Classification: Uncertain significance for Inborn genetic diseases. Last evaluated: 2025-07-31. Review status: criteria provided, single submitter. Criteria: Ambry Variant Classification Scheme 2023. Collection method: clinical testing. Allele origin: germline.

Labcorp Genetics (formerly Invitae), Labcorp
Classification: Uncertain significance for Kleefstra syndrome 1. Last evaluated: 2025-03-20. Review status: criteria provided, single submitter. Criteria: Invitae Variant Classification Sherloc (09022015). Collection method: clinical testing. Allele origin: germline.
Comment: This sequence change replaces phenylalanine, which is neutral and non-polar, with leucine, which is neutral and non-polar, at codon 1103 of the EHMT1 protein (p.Phe1103Leu). This variant is present in population databases (rs758005227, gnomAD 0.002%). This variant has not been reported in the literature in individuals affected with EHMT1-related conditions. ClinVar contains an entry for this variant (Variation ID: 2823030). Invitae Evidence Modeling of protein sequence and biophysical properties (such as structural, functional, and spatial information, amino acid conservation, physicochemical variation, residue mobility, and thermodynamic stability) indicates that this missense variant is expected to disrupt EHMT1 protein function with a positive predictive value of 80%. In summary, the available evidence is currently insufficient to determine the role of this variant in disease. Therefore, it has been classified as a Variant of Uncertain Significance.

NM_024757.5(EHMT1):c.3309C>G (p.Phe1103Leu)

Gene: EHMT1 (euchromatic histone lysine methyltransferase 1; plus strand). Cytogenetic location: 9q34.3.
Variant type: single nucleotide variant.
Coding change: c.3309C>G on transcript NM_024757.5 (MANE Select); coding-DNA position 3309, C replaced by G.
Protein change: p.Phe1103Leu; replaces phenylalanine 1103 with leucine.
Molecular consequence: missense variant.
Genome position (GRCh38, 1-based): chr9:137,815,997, C>G. VCF-style: chr9-137815997-C-G. GRCh37 (hg19) VCF-style: chr9-140710449-C-G.
Other names: c.3288C>G, p.Phe1096Leu (NM_001354263.2); c.3309C>G (NM_024757.4); short protein forms F1103L, F1096L.
Identifiers: ClinVar variation 2823030 (VCV002823030.4), dbSNP rs758005227, ClinGen allele CA201845865.